The following is an entry in ClinVar:

ClinVar aggregate classification (germline): Benign/Likely benign. Review status: criteria provided, multiple submitters, no conflicts (2 of 4 stars). 7 submissions from 7 submitters: Benign (1); Likely benign (5). 1 of the submissions does not count toward it. Last evaluated 2026-01-27.

Conditions:
GATA4-related disorder. Also called: GATA4-related condition. Identifiers: MedGen CN860321.
Cardiovascular phenotype. Identifiers: MedGen CN230736.
Atrioventricular septal defect 4 (AVSD4). Identifiers: MedGen C3280781, MONDO:0013747, OMIM 614430.

Allele frequency attached by ClinVar (database versions not stated): gnomAD exomes 0.00015 and 0.00034; ExAC 0.00047; 1000 Genomes Project 0.00100; 1000 Genomes Project 30x 0.00125; gnomAD 0.00147 and 0.00161; TOPMed 0.00158; ESP Exome Variant Server 0.00161.

Submissions (7):

Labcorp Genetics (formerly Invitae), Labcorp
Classification: Benign for Atrioventricular septal defect 4. Last evaluated: 2026-01-27. Review status: criteria provided, single submitter. Criteria: Invitae Variant Classification Sherloc (09022015). Collection method: clinical testing. Allele origin: germline.

GeneDx
Classification: Likely benign. Last evaluated: 2024-09-03. Review status: criteria provided, single submitter. Criteria: GeneDx Variant Classification Process June 2021. Collection method: clinical testing. Allele origin: germline. Affected: yes.
Comment: See Variant Classification Assertion Criteria.

Blueprint Genetics
Classification: Likely benign. Last evaluated: 2024-08-28. Review status: criteria provided, single submitter. Criteria: ACMG Guidelines, 2015. Collection method: clinical testing. Allele origin: germline.

CeGaT Center for Human Genetics Tuebingen
Classification: Likely benign. Last evaluated: 2023-11-01. Review status: criteria provided, single submitter. Criteria: CeGaT Center For Human Genetics Tuebingen Variant Classification Criteria Version 2. Collection method: clinical testing. Allele origin: germline. Affected: yes. Observed: 1 variant allele.
Comment: GATA4: BP4

Ambry Genetics
Classification: Likely benign for Cardiovascular phenotype. Last evaluated: 2017-03-15. Review status: criteria provided, single submitter. Criteria: Ambry Variant Classification Scheme 2023. Collection method: clinical testing. Allele origin: germline.

Breakthrough Genomics
Classification: Likely benign. Review status: criteria provided, single submitter. Criteria: ACMG Guidelines, 2015. Collection method: not provided. Allele origin: germline. Inheritance: Autosomal dominant inheritance. Affected: yes.

PreventionGenetics, part of Exact Sciences
Classification: Likely benign for GATA4-related condition. Last evaluated: 2019-03-25. Review status: no assertion criteria provided. Collection method: clinical testing. Allele origin: germline. Not counted in ClinVar's aggregate classification.
Comment: This variant is classified as likely benign based on ACMG/AMP sequence variant interpretation guidelines (Richards et al. 2015 PMID: 25741868, with internal and published modifications).

NM_001308093.3(GATA4):c.1140C>T (p.Ser380=)

Gene: GATA4 (GATA binding protein 4). Cytogenetic location: 8p23.1.
Variant type: single nucleotide variant.
Coding change: c.1140C>T on transcript NM_001308093.3 (MANE Select); coding-DNA position 1140, C replaced by T.
Protein change: p.Ser380=; no amino-acid change (serine 380 retained).
Molecular consequence: synonymous variant.
Genome position (GRCh38, 1-based): chr8:11,757,074, C>T. VCF-style: chr8-11757074-C-T. GRCh37 (hg19) VCF-style: chr8-11614583-C-T.
Other names: c.519C>T, p.Ser173= (NM_001308094.2, NM_001374273.1); c.393C>T, p.Ser131= (NM_001374274.1); c.1137C>T, p.Ser379= (NM_002052.5); c.1137C>T (NM_002052.4).
Identifiers: ClinVar variation 412736 (VCV000412736.45), dbSNP rs34393445, ClinGen allele CA4630838.